The following is an entry in ClinVar:

ClinVar aggregate classification (germline): Uncertain significance (1 of 4 stars; one submission).

Conditions:
Gorlin syndrome. Also called: Basal cell nevus syndrome; Nevoid Basal Cell Carcinoma Syndrome. Identifiers: Orphanet 377, MedGen C0004779, MONDO:0007187.

Allele frequency attached by ClinVar (database versions not stated): gnomAD exomes below 0.00001; TOPMed below 0.00001; ExAC 0.00001.

Submission:

Labcorp Genetics (formerly Invitae), Labcorp
Classification: Uncertain significance for Gorlin syndrome. Last evaluated: 2023-11-15. Review status: criteria provided, single submitter. Criteria: Invitae Variant Classification Sherloc (09022015). Collection method: clinical testing. Allele origin: germline.
Comment: This sequence change replaces arginine, which is basic and polar, with glutamine, which is neutral and polar, at codon 1050 of the PTCH2 protein (p.Arg1050Gln). This variant is present in population databases (rs761953363, gnomAD 0.0009%). This variant has not been reported in the literature in individuals affected with PTCH2-related conditions. ClinVar contains an entry for this variant (Variation ID: 1348823). Advanced modeling of protein sequence and biophysical properties (such as structural, functional, and spatial information, amino acid conservation, physicochemical variation, residue mobility, and thermodynamic stability) performed at Invitae indicates that this missense variant is expected to disrupt PTCH2 protein function with a positive predictive value of 80%. In summary, the available evidence is currently insufficient to determine the role of this variant in disease. Therefore, it has been classified as a Variant of Uncertain Significance.

NM_003738.5(PTCH2):c.3149G>A (p.Arg1050Gln)

Gene: PTCH2 (patched 2; minus strand). Cytogenetic location: 1p34.1.
Variant type: single nucleotide variant.
Coding change: c.3149G>A on transcript NM_003738.5 (MANE Select); coding-DNA position 3149, G replaced by A.
Protein change: p.Arg1050Gln; replaces arginine 1050 with glutamine.
Molecular consequence: missense variant.
Genome position (GRCh38, 1-based): chr1:44,823,351, C>T on the plus strand (G>A on the coding strand, the complement: PTCH2 is on the minus strand). VCF-style: chr1-44823351-C-T. GRCh37 (hg19) VCF-style: chr1-45289023-C-T.
Other names: c.3149G>A, p.Arg1050Gln (NM_001166292.2); short protein forms R1050Q.
Identifiers: ClinVar variation 1348823 (VCV001348823.8), dbSNP rs761953363, ClinGen allele CA822784.